The following is an entry in ClinVar:

NM_000492.4(CFTR):c.1430C>A (p.Pro477His)

Genes: CFTR (CF transmembrane conductance regulator; plus strand), CFTR-AS1 (CFTR antisense RNA 1; minus strand). Cytogenetic location: 7q31.2.
Variant type: single nucleotide variant.
Coding change: c.1430C>A on transcript NM_000492.4 (MANE Select); coding-DNA position 1430, C replaced by A.
Protein change: p.Pro477His; replaces proline 477 with histidine.
Molecular consequence: missense variant.
Genome position (GRCh38, 1-based): chr7:117,559,501, C>A. VCF-style: chr7-117559501-C-A. GRCh37 (hg19) VCF-style: chr7-117199555-C-A.
Other names: short protein forms P477H.
Identifiers: ClinVar variation 289873 (VCV000289873.17), dbSNP rs886044297, ClinGen allele CA10606584.

ClinVar aggregate classification (germline): Uncertain significance. Review status: criteria provided, multiple submitters, no conflicts (2 of 4 stars). 5 submissions from 5 submitters: Uncertain significance (4). 1 of the submissions does not count toward it. Last evaluated 2024-05-10.

Conditions:
Cystic fibrosis (CF). Also called: MUCOVISCIDOSIS. Identifiers: Orphanet 586, MedGen C0010674, MONDO:0009061, OMIM 219700. Disease mechanism: loss of function.

Allele frequency attached by ClinVar (database versions not stated): gnomAD 0.00001.

Submissions (5):

Ambry Genetics
Classification: Uncertain significance for Cystic fibrosis. Last evaluated: 2024-05-10. Review status: criteria provided, single submitter. Criteria: Ambry Variant Classification Scheme 2023. Collection method: clinical testing. Allele origin: germline.
Comment: The p.P477H variant (also known as c.1430C>A), located in coding exon 11 of the CFTR gene, results from a C to A substitution at nucleotide position 1430. The proline at codon 477 is replaced by histidine, an amino acid with similar properties. This amino acid position is highly conserved in available vertebrate species. In addition, this alteration is predicted to be deleterious by in silico analysis. Based on the available evidence, the clinical significance of this variant remains unclear.

Genome-Nilou Lab
Classification: Uncertain significance for Cystic fibrosis. Last evaluated: 2021-09-05. Review status: criteria provided, single submitter. Criteria: ACMG Guidelines, 2015. Collection method: clinical testing. Allele origin: germline. Affected: no.

Labcorp Genetics (formerly Invitae), Labcorp
Classification: Uncertain significance for Cystic fibrosis. Last evaluated: 2020-04-02. Review status: criteria provided, single submitter. Criteria: Invitae Variant Classification Sherloc (09022015). Collection method: clinical testing. Allele origin: germline.
Comment: This variant has not been reported in the literature in individuals with CFTR-related disease. ClinVar contains an entry for this variant (Variation ID: 289873). This variant is not present in population databases (ExAC no frequency). This sequence change replaces proline with histidine at codon 477 of the CFTR protein (p.Pro477His). The proline residue is moderately conserved and there is a moderate physicochemical difference between proline and histidine. In summary, the available evidence is currently insufficient to determine the role of this variant in disease. Therefore, it has been classified as a Variant of Uncertain Significance. Algorithms developed to predict the effect of missense changes on protein structure and function (SIFT, PolyPhen-2, Align-GVGD) all suggest that this variant is likely to be tolerated, but these predictions have not been confirmed by published functional studies and their clinical significance is uncertain.

Eurofins Ntd Llc (ga)
Classification: Uncertain significance. Last evaluated: 2016-07-28. Review status: criteria provided, single submitter. Criteria: EGL Classification Definitions 2015. Collection method: clinical testing. Allele origin: germline. Observed: 1 variant allele, 1 heterozygote.

Natera, Inc.
Classification: Uncertain significance for Cystic Fibrosis. Last evaluated: 2020-09-16. Review status: no assertion criteria provided. Collection method: clinical testing. Allele origin: germline. Not counted in ClinVar's aggregate classification.